The following is an entry in ClinVar:

ClinVar aggregate classification (germline): Benign. Review status: criteria provided, multiple submitters, no conflicts (2 of 4 stars). 9 submissions from 9 submitters: Benign (8). 1 of the submissions does not count toward it. Last evaluated 2026-02-04.

Conditions:
Autosomal recessive osteopetrosis 1. Also called: ALBERS-SCHONBERG DISEASE, AUTOSOMAL RECESSIVE; TCIRG1-Related Autosomal Recessive Osteopetrosis; TCIRG1-Related Osteopetrosis. Identifiers: Orphanet 667, MedGen C1850127, MONDO:0009815, OMIM 259700.

Allele frequency attached by ClinVar (database versions not stated): 1000 Genomes Project 30x 0.96752; 1000 Genomes Project 0.96985; TOPMed 0.97489; ESP Exome Variant Server 0.97498; gnomAD 0.97643 and 0.97788; ExAC 0.99275; gnomAD exomes 0.99418.

Submissions (9):

Labcorp Genetics (formerly Invitae), Labcorp
Classification: Benign. Last evaluated: 2026-02-04. Review status: criteria provided, single submitter. Criteria: Invitae Variant Classification Sherloc (09022015). Collection method: clinical testing. Allele origin: germline.

Blueprint Genetics
Classification: Benign. Last evaluated: 2024-11-27. Review status: criteria provided, single submitter. Criteria: ACMG Guidelines, 2015. Collection method: clinical testing. Allele origin: germline.

Mayo Clinic Laboratories, Mayo Clinic
Classification: Benign. Last evaluated: 2022-09-06. Review status: criteria provided, single submitter. Criteria: ACMG Guidelines, 2015. Collection method: clinical testing. Allele origin: germline. Observed: 56 variant alleles.

Genome-Nilou Lab
Classification: Benign for Autosomal recessive osteopetrosis 1. Last evaluated: 2021-07-10. Review status: criteria provided, single submitter. Criteria: ACMG Guidelines, 2015. Collection method: clinical testing. Allele origin: germline. Affected: no.

Eurofins Ntd Llc (ga)
Classification: Benign. Last evaluated: 2017-01-24. Review status: criteria provided, single submitter. Criteria: EGL Classification Definitions 2015. Collection method: clinical testing. Allele origin: germline. Observed: 2 variant alleles, 2 homozygotes.

Laboratory for Molecular Medicine, Mass General Brigham Personalized Medicine
Classification: Benign. Last evaluated: 2016-03-29. Review status: criteria provided, single submitter. Criteria: LMM Criteria. Collection method: clinical testing. Allele origin: germline.
Comment: Variant identified in a genome or exome case(s) and assessed due to predicted null impact of the variant or pathogenic assertions in the literature or databases. Disclaimer: This variant has not undergone full assessment. The following are preliminary notes: MAF

Center for Pediatric Genomic Medicine, Children's Mercy Hospital and Clinics
Classification: Benign. Last evaluated: 2016-01-22. Review status: criteria provided, single submitter. Criteria: ACMG Guidelines, 2015. Collection method: clinical testing. Allele origin: germline.

Breakthrough Genomics
Classification: Benign. Review status: criteria provided, single submitter. Criteria: ACMG Guidelines, 2015. Collection method: not provided. Allele origin: germline. Inheritance: Autosomal recessive inheritance. Affected: yes.

Natera, Inc.
Classification: Benign for Infantile malignant osteopetrosis. Last evaluated: 2020-09-16. Review status: no assertion criteria provided. Collection method: clinical testing. Allele origin: germline. Not counted in ClinVar's aggregate classification.

NM_006019.4(TCIRG1):c.1245G>C (p.Leu415=)

Gene: TCIRG1 (T cell immune regulator 1, ATPase H+ transporting V0 subunit a3; plus strand). Cytogenetic location: 11q13.2.
Variant type: single nucleotide variant.
Coding change: c.1245G>C on transcript NM_006019.4 (MANE Select); coding-DNA position 1245, G replaced by C.
Protein change: p.Leu415=; no amino-acid change (leucine 415 retained).
Molecular consequence: synonymous variant.
Genome position (GRCh38, 1-based): chr11:68,047,512, G>C. VCF-style: chr11-68047512-G-C. GRCh37 (hg19) VCF-style: chr11-67814979-G-C.
Other names: p.Leu415=; c.351G>C, p.Leu117= (NM_001351059.2); c.597G>C, p.Leu199= (NM_006053.4).
Identifiers: ClinVar variation 235632 (VCV000235632.23), dbSNP rs2471829, ClinGen allele CA6147029.
Genomic context (GRCh38, chr11:68,047,512, plus strand): 5'-CTTCCCCTTCCTGTTTGCTGTGATGTTCGGGGATGTGGGCCACGGGCTGCTCATGTTCCT[G>C]TTCGCCCTGGCCATGGTCCTTGCGGAGAACCGACCGGCTGTGAAGGCCGCGCAGAACGAG-3'
Protein context (NP_006010.2, residues 405-425): GDVGHGLLMF[Leu415=]FALAMVLAEN